The following is an entry in ClinVar:

ClinVar aggregate classification (germline): Benign/Likely benign. Review status: criteria provided, multiple submitters, no conflicts (2 of 4 stars). 2 submissions from 2 submitters: Benign (1); Likely benign (1). Last evaluated 2026-01-01.

Allele frequency attached by ClinVar (database versions not stated): gnomAD 0.00125.
gnomAD v4.1: 387 of 1,568,174 alleles (0.025%); highest among the groups gnomAD compares: South Asian, 0.3%; 7 homozygotes.

Submissions (2):

CeGaT Center for Human Genetics Tuebingen
Classification: Benign. Last evaluated: 2026-01-01. Review status: criteria provided, single submitter. Criteria: CeGaT Center For Human Genetics Tuebingen Variant Classification Criteria Version 2. Collection method: clinical testing. Allele origin: germline. Affected: yes. Observed: 4 variant alleles.
Comment: CEL: BS1, BS2

GeneDx
Classification: Likely benign. Last evaluated: 2021-05-12. Review status: criteria provided, single submitter. Criteria: GeneDx Variant Classification Process June 2021. Collection method: clinical testing. Allele origin: germline. Affected: yes.

NM_001807.6(CEL):c.1733A>G (p.Glu578Gly)

Gene: CEL (carboxyl ester lipase; plus strand). Cytogenetic location: 9q34.13.
Variant type: single nucleotide variant.
Coding change: c.1733A>G on transcript NM_001807.6 (MANE Select); coding-DNA position 1733, A replaced by G.
Protein change: p.Glu578Gly; replaces glutamic acid 578 with glycine.
Molecular consequence: missense variant.
Genome position (GRCh38, 1-based): chr9:133,071,235, A>G. VCF-style: chr9-133071235-A-G. GRCh37 (hg19) VCF-style: chr9-135946622-A-G.
Other names: short protein forms E578G.
Identifiers: ClinVar variation 1205267 (VCV001205267.26), dbSNP rs35939167, ClinGen allele CA5303510.